The following is an entry in ClinVar:

NM_001364905.1(LRBA):c.6282T>G (p.Tyr2094Ter)

Gene: LRBA (LPS responsive beige-like anchor protein; minus strand). Cytogenetic location: 4q31.3.
Variant type: single nucleotide variant.
Coding change: c.6282T>G on transcript NM_001364905.1 (MANE Select); coding-DNA position 6282, T replaced by G.
Protein change: p.Tyr2094Ter; replaces tyrosine 2094 with a stop codon.
Molecular consequence: nonsense.
Genome position (GRCh38, 1-based): chr4:150,588,096, A>C on the plus strand (T>G on the coding strand, the complement: LRBA is on the minus strand). VCF-style: chr4-150588096-A-C. GRCh37 (hg19) VCF-style: chr4-151509248-A-C.
Other names: c.6282T>G, p.Tyr2094Ter (NM_001199282.3, NM_001367550.1); c.6315T>G, p.Tyr2105Ter (NM_006726.5); short protein forms Y2105*, Y2094*.
Identifiers: ClinVar variation 3699868 (VCV003699868.2).

ClinVar aggregate classification (germline): Pathogenic (1 of 4 stars; one submission).

Conditions:
Combined immunodeficiency due to LRBA deficiency. Also called: Common variable immunodeficiency 8, with autoimmunity. Identifiers: Orphanet 445018, MedGen C3553512, MONDO:0013863, OMIM 614700.

gnomAD v4.1: 3 of 1,612,904 alleles (0.00019%); highest among the groups gnomAD compares: Middle Eastern, 0.017%; no homozygotes.

Submission:

Labcorp Genetics (formerly Invitae), Labcorp
Classification: Pathogenic for Combined immunodeficiency due to LRBA deficiency. Last evaluated: 2024-08-10. Review status: criteria provided, single submitter. Criteria: Invitae Variant Classification Sherloc (09022015). Collection method: clinical testing. Allele origin: germline.
Comment: This sequence change creates a premature translational stop signal (p.Tyr2105*) in the LRBA gene. It is expected to result in an absent or disrupted protein product. Loss-of-function variants in LRBA are known to be pathogenic (PMID: 26206937, 26768763). This variant is present in population databases (no rsID available, gnomAD 0.0009%). This variant has not been reported in the literature in individuals affected with LRBA-related conditions. For these reasons, this variant has been classified as Pathogenic.

Literature cited by the submitters: PubMed 26206937; PubMed 26768763.